The following is an entry in ClinVar:

ClinVar aggregate classification (germline): Likely pathogenic. Review status: criteria provided, multiple submitters, no conflicts (2 of 4 stars). 2 submissions from 2 submitters: Likely pathogenic (2). Last evaluated 2021-04-01.

Conditions:
RPGR-related disorder. Also called: RPGR-related condition.
Retinitis pigmentosa (RP). Identifiers: Orphanet 791, MedGen C0035334, MeSH D012174, MONDO:0019200, OMIM 268000. Inheritance: Autosomal dominant, autosomal recessive and X linked inheritance.

Submissions (2):

Broad Center for Mendelian Genomics, Broad Institute of MIT and Harvard
Classification: Likely pathogenic for Retinitis pigmentosa. Last evaluated: 2021-04-01. Review status: criteria provided, single submitter. Criteria: ACMG Guidelines, 2015. Collection method: curation. Allele origin: germline. Inheritance: X-linked inheritance. Affected: yes.
Comment: Through a review of available evidence we were able to apply the following criteria: PVS1, PM2. Based on this evidence we have classified this variant as Likely Pathogenic. If you have any questions about the classification please reach out to the Pierce Lab.

Blueprint Genetics
Classification: Likely pathogenic for RPGR-related disorders. Last evaluated: 2018-06-29. Review status: criteria provided, single submitter. Criteria: ACMG Guidelines, 2015. Collection method: clinical testing. Allele origin: germline. Affected: yes. Observed: 1 variant allele.

Literature cited by the submitters: PubMed 34906470 (cited by Broad Center for Mendelian Genomics, Broad Institute of MIT and Harvard).

NM_001034853.2(RPGR):c.2383G>T (p.Glu795Ter)

Gene: RPGR (retinitis pigmentosa GTPase regulator; minus strand). Cytogenetic location: Xp11.4.
Variant type: single nucleotide variant.
Coding change: c.2383G>T on transcript NM_001034853.2 (MANE Select); coding-DNA position 2383, G replaced by T.
Protein change: p.Glu795Ter; replaces glutamic acid 795 with a stop codon.
Molecular consequence: nonsense. On other transcripts: intron variant (8).
Genome position (GRCh38, 1-based): chrX:38,286,616, C>A on the plus strand (G>T on the coding strand, the complement: RPGR is on the minus strand). VCF-style: chrX-38286616-C-A. GRCh37 (hg19) VCF-style: chrX-38145869-C-A.
Other names: c.1569+4343G>T (NM_001367250.1, NM_001367249.1); c.1902+478G>T (NM_001367245.1); c.1386+4343G>T (NM_001367251.1); c.1719+478G>T (NM_001367246.1); c.1572+4343G>T (NM_001367247.1); c.1905+478G>T (NM_000328.3); c.1602+4343G>T (NM_001367248.1); short protein forms E795*.
Identifiers: ClinVar variation 975145 (VCV000975145.4), dbSNP rs2067183876, ClinGen allele CA412730769.
Genomic context (GRCh38, chrX:38,286,616, plus strand): 5'-CTACTTCCCCTCCCTCCTCTTTTTCCTCCCCTCTCCCCTCTGTTTCCTCCTCTTCCCCCT[C>A]TCCTTGGTCTCCTTCTTCCTCTCCTTTCTCCTCCTTCCCCGCTCTTTCCTCCTTTTTCCT-3'